The following is an entry in ClinVar:

NM_033109.5(PNPT1):c.993C>T (p.Ala331=)

Gene: PNPT1 (polyribonucleotide nucleotidyltransferase 1; minus strand). Cytogenetic location: 2p16.1.
Variant type: single nucleotide variant.
Coding change: c.993C>T on transcript NM_033109.5 (MANE Select); coding-DNA position 993, C replaced by T.
Protein change: p.Ala331=; no amino-acid change (alanine 331 retained).
Molecular consequence: synonymous variant.
Genome position (GRCh38, 1-based): chr2:55,667,942, G>A on the plus strand (C>T on the coding strand, the complement: PNPT1 is on the minus strand). VCF-style: chr2-55667942-G-A. GRCh37 (hg19) VCF-style: chr2-55895077-G-A.
Other names: c.993C>T (NM_033109.4).
Identifiers: ClinVar variation 1655685 (VCV001655685.13), dbSNP rs147013543, ClinGen allele CA1668263.

ClinVar aggregate classification (germline): Likely benign. Review status: criteria provided, multiple submitters, no conflicts (2 of 4 stars). 3 submissions from 3 submitters: Likely benign (3). Last evaluated 2025-12-01.

Conditions:
PNPT1-related disorder. Also called: PNPT1-related disorders; PNPT1-related condition.

Allele frequency attached by ClinVar (database versions not stated): ESP Exome Variant Server 0.00008; ExAC 0.00009.
gnomAD v4.1: 47 of 1,576,414 alleles (0.003%); highest among the groups gnomAD compares: South Asian, 0.025%; 1 homozygote.

Submissions (3):

CeGaT Center for Human Genetics Tuebingen
Classification: Likely benign. Last evaluated: 2025-12-01. Review status: criteria provided, single submitter. Criteria: CeGaT Center For Human Genetics Tuebingen Variant Classification Criteria Version 2. Collection method: clinical testing. Allele origin: germline. Affected: yes. Observed: 1 variant allele.
Comment: PNPT1: BP4, BP7

PreventionGenetics, part of Exact Sciences
Classification: Likely benign for PNPT1-related condition. Last evaluated: 2025-05-27. Review status: criteria provided, single submitter. Criteria: ACMG Guidelines, 2015. Collection method: clinical testing. Allele origin: germline.
Comment: This variant is classified as likely benign based on ACMG/AMP sequence variant interpretation guidelines (Richards et al. 2015 PMID: 25741868, with internal and published modifications).

Labcorp Genetics (formerly Invitae), Labcorp
Classification: Likely benign. Last evaluated: 2025-04-18. Review status: criteria provided, single submitter. Criteria: Invitae Variant Classification Sherloc (09022015). Collection method: clinical testing. Allele origin: germline.